The following is an entry in ClinVar:

ClinVar aggregate classification (germline): Pathogenic. Review status: criteria provided, multiple submitters, no conflicts (2 of 4 stars). 4 submissions from 4 submitters: Pathogenic (3). 1 of the submissions does not count toward it. Last evaluated 2025-04-16.

Conditions:
Hereditary cancer-predisposing syndrome. Also called: Hereditary Cancer Syndrome; Neoplastic Syndromes, Hereditary; Hereditary neoplastic syndrome; Tumor predisposition. Identifiers: Orphanet 140162, MedGen C0027672, MeSH D009386, MONDO:0015356.
Tuberous sclerosis syndrome (TSC). Also called: Tuberous Sclerosis Complex; Tuberous sclerosis. Identifiers: Orphanet 805, MedGen C0041341, MONDO:0001734.
Tuberous sclerosis 1 (TSC1). Identifiers: Orphanet 805, MedGen C1854465, MONDO:0008612, OMIM 191100.

Submissions (4):

Labcorp Genetics (formerly Invitae), Labcorp
Classification: Pathogenic for Tuberous sclerosis 1. Last evaluated: 2025-04-16. Review status: criteria provided, single submitter. Criteria: Invitae Variant Classification Sherloc (09022015). Collection method: clinical testing. Allele origin: germline.
Comment: This sequence change creates a premature translational stop signal (p.Leu330Glufs*10) in the TSC1 gene. It is expected to result in an absent or disrupted protein product. Loss-of-function variants in TSC1 are known to be pathogenic (PMID: 10227394, 17304050). This variant is not present in population databases (gnomAD no frequency). This premature translational stop signal has been observed in individual(s) with clinical features of TSC1-related conditions (PMID: 9242607, 34926252). For these reasons, this variant has been classified as Pathogenic.

Hema, HEMA – Genetic and Molecular Diagnostic Laboratory
Classification: Pathogenic for Tuberous sclerosis syndrome. Last evaluated: 2024-01-09. Review status: criteria provided, single submitter. Criteria: HEMA Variant Classification Assertion Criteria. Collection method: clinical testing. Allele origin: germline.
Comment: The c.988_989del variant is a dinucleotide deletion that results in a frameshift in TSC1. PVS1: Null variant (frameshift) in a gene for which loss of function is a known disease mechanism. The c.988_989del variant in the TSC1 gene is a frameshift variant that introduces a premature stop codon in exon 10/23, which is predicted to lead to nonsense-mediated decay (NMD) of the transcript. PS4_Supporting: The variant has been reported in two individuals with tuberous sclerosis (PMID: 10363127, 17304050). PM2_Supporting: Absent in gnomAD.

Ambry Genetics
Classification: Pathogenic for Hereditary cancer-predisposing syndrome. Last evaluated: 2018-06-14. Review status: criteria provided, single submitter. Criteria: Ambry Variant Classification Scheme 2023. Collection method: clinical testing. Allele origin: germline.
Comment: The c.988_989delCT pathogenic mutation, located in coding exon 8 of the TSC1 gene, results from a deletion of two nucleotides at nucleotide positions 988 to 989, causing a translational frameshift with a predicted alternate stop codon (p.L330Efs*10). This mutation, also designated as 1207delCT or 1209-1210delCT, has been identified in multiple individuals with tuberous sclerosis complex (TSC) (Au KS et al. Genet. Med., 2007 Feb;9:88-100; van Slegtenhorst M et al. Science, 1997 Aug;277:805-8). In addition to the clinical data presented in the literature, this alteration is expected to result in loss of function by premature protein truncation or nonsense-mediated mRNA decay. As such, this alteration is interpreted as a disease-causing mutation.

Tuberous sclerosis database (TSC1)
No classification provided. Condition: TSC. Review status: no classification provided. Criteria: Tuberous Sclerosis Database Assertion Criteria 2015. Collection method: curation. Allele origin: germline. Affected: yes. Not counted in ClinVar's aggregate classification.

Literature cited by the submitters: PubMed 10227394 (cited by Labcorp Genetics (formerly Invitae), Labcorp); PubMed 17304050 (cited by 3 submitters); PubMed 9242607 (cited by Labcorp Genetics (formerly Invitae), Labcorp and Ambry Genetics); PubMed 34926252 (cited by Labcorp Genetics (formerly Invitae), Labcorp); PubMed 10363127 (cited by Hema, HEMA – Genetic and Molecular Diagnostic Laboratory and Ambry Genetics); PubMed 9924605 (cited by Ambry Genetics).

NM_000368.5(TSC1):c.988_989del (p.Leu330fs)

Gene: TSC1 (TSC complex subunit 1; minus strand). Cytogenetic location: 9q34.13.
Variant type: Microsatellite.
Coding change: c.988_989del on transcript NM_000368.5 (MANE Select); coding-DNA positions 988 to 989, 2 bases deleted (CT; older notation c.988_989delCT).
Protein change: p.Leu330fs; shifts the reading frame from leucine 330.
Molecular consequence: frameshift variant.
Genome position (GRCh38, 1-based): chr9:132,911,493-132,911,494, AG deleted on the plus strand (CT on the coding strand, the reverse complement: TSC1 is on the minus strand); deleting any 2 consecutive bases within chr9:132,911,493-132,911,496 gives the same sequence; the c. name uses the placement nearest the transcript's 3' end. VCF-style (leftmost placement, unchanged base first): chr9-132911492-CAG-C. GRCh37 (hg19) VCF-style: chr9-135786879-CAG-C.
Other names: c.988_989delCT (NM_000368.4); c.988_989del, p.Leu330fs (NM_001162426.2); c.835_836del, p.Leu279fs (NM_001162427.2); c.625_626del, p.Leu209fs (NM_001362177.2); short protein forms L209fs, L279fs, L330fs.
Identifiers: ClinVar variation 49132 (VCV000049132.9), dbSNP rs118203477, ClinGen allele CA008481.
Genomic context (GRCh38, chr9:132,911,492, plus strand): 5'-GCACACTAGTTGACACCATACTTGTGGTGGTTCAGTTATCAGCCGTGTCGATGGGGAACT[CAG>C]AGTCTGAGGTAGCTGCCCTGGCATATTTAACAACATCAGCCGAGACGTGGAGTAAGGGGT-3'